The following is an entry in ClinVar:

NM_014244.5(ADAMTS2):c.2854C>G (p.Arg952Gly)

Gene: ADAMTS2 (ADAM metallopeptidase with thrombospondin type 1 motif 2; minus strand). Cytogenetic location: 5q35.3.
Variant type: single nucleotide variant.
Coding change: c.2854C>G on transcript NM_014244.5 (MANE Select); coding-DNA position 2854, C replaced by G.
Protein change: p.Arg952Gly; replaces arginine 952 with glycine.
Molecular consequence: missense variant.
Genome position (GRCh38, 1-based): chr5:179,125,077, G>C on the plus strand (C>G on the coding strand, the complement: ADAMTS2 is on the minus strand). VCF-style: chr5-179125077-G-C. GRCh37 (hg19) VCF-style: chr5-178552078-G-C.
Other names: p.Arg952Gly; short protein forms R952G.
Identifiers: ClinVar variation 4541095 (VCV004541095.1).

ClinVar aggregate classification (germline): Uncertain significance (1 of 4 stars; one submission).

gnomAD v4.1: 1 of 1,611,252 alleles (0.000062%); highest among the groups gnomAD compares: Non-Finnish European, 0.000085%; no homozygotes.

Submission:

Mayo Clinic Laboratories, Mayo Clinic
Classification: Uncertain significance. Last evaluated: 2025-11-19. Review status: criteria provided, single submitter. Criteria: ACMG Guidelines, 2015. Collection method: clinical testing. Allele origin: germline. Observed: 1 variant allele.
Comment: BP1, PM2_supporting